The following is an entry in ClinVar:

NM_002519.3(NPAT):c.2666T>A (p.Val889Glu)

Gene: NPAT (nuclear protein, coactivator of histone transcription; minus strand). Cytogenetic location: 11q22.3.
Variant type: single nucleotide variant.
Coding change: c.2666T>A on transcript NM_002519.3 (MANE Select); coding-DNA position 2666, T replaced by A.
Protein change: p.Val889Glu; replaces valine 889 with glutamic acid.
Molecular consequence: missense variant.
Genome position (GRCh38, 1-based): chr11:108,172,318, A>T on the plus strand (T>A on the coding strand, the complement: NPAT is on the minus strand). VCF-style: chr11-108172318-A-T. GRCh37 (hg19) VCF-style: chr11-108043045-A-T.
Other names: c.2666T>A, p.Val889Glu (NM_001321307.1); short protein forms V889E.
Identifiers: ClinVar variation 1794500 (VCV001794500.8), dbSNP rs781544830, ClinGen allele CA6263782.

ClinVar aggregate classification (germline): Uncertain significance. Review status: criteria provided, multiple submitters, no conflicts (2 of 4 stars). 2 submissions from 2 submitters: Uncertain significance (2). Last evaluated 2024-10-29.

Allele frequency attached by ClinVar (database versions not stated): ExAC 0.00004.
gnomAD v4.1: 49 of 1,614,064 alleles (0.003%); highest among the groups gnomAD compares: Middle Eastern, 0.049%; no homozygotes.

Submissions (2):

Labcorp Genetics (formerly Invitae), Labcorp
Classification: Uncertain significance. Last evaluated: 2024-10-29. Review status: criteria provided, single submitter. Criteria: Invitae Variant Classification Sherloc (09022015). Collection method: clinical testing. Allele origin: germline.
Comment: This sequence change replaces valine, which is neutral and non-polar, with glutamic acid, which is acidic and polar, at codon 889 of the NPAT protein (p.Val889Glu). This variant is present in population databases (rs781544830, gnomAD 0.02%). This variant has not been reported in the literature in individuals affected with NPAT-related conditions. ClinVar contains an entry for this variant (Variation ID: 1794500). An algorithm developed to predict the effect of missense changes on protein structure and function (PolyPhen-2) suggests that this variant is likely to be disruptive. In summary, the available evidence is currently insufficient to determine the role of this variant in disease. Therefore, it has been classified as a Variant of Uncertain Significance.

Ambry Genetics
Classification: Uncertain significance. Last evaluated: 2024-07-27. Review status: criteria provided, single submitter. Criteria: Ambry Variant Classification Scheme 2023. Collection method: clinical testing. Allele origin: germline.